The following is an entry in ClinVar:

ClinVar aggregate classification (germline): Likely benign. Review status: criteria provided, multiple submitters, no conflicts (2 of 4 stars). 3 submissions from 3 submitters: Likely benign (2). 1 of the submissions does not count toward it. Last evaluated 2023-08-08.

Conditions:
TRRAP-related disorder. Also called: TRRAP-related condition.

Allele frequency attached by ClinVar (database versions not stated): gnomAD 0.00001; gnomAD exomes 0.00001; ExAC 0.00002; ESP Exome Variant Server 0.00008.
gnomAD v4.1: 19 of 1,613,888 alleles (0.0012%); highest among the groups gnomAD compares: South Asian, 0.0022%; no homozygotes.

Submissions (3):

Labcorp Genetics (formerly Invitae), Labcorp
Classification: Likely benign. Last evaluated: 2023-08-08. Review status: criteria provided, single submitter. Criteria: Invitae Variant Classification Sherloc (09022015). Collection method: clinical testing. Allele origin: germline.

Breakthrough Genomics
Classification: Likely benign. Review status: criteria provided, single submitter. Criteria: ACMG Guidelines, 2015. Collection method: not provided. Allele origin: germline. Inheritance: Autosomal dominant inheritance. Affected: yes.

PreventionGenetics, part of Exact Sciences
Classification: Likely benign for TRRAP-related condition. Last evaluated: 2019-06-25. Review status: no assertion criteria provided. Collection method: clinical testing. Allele origin: germline. Not counted in ClinVar's aggregate classification.
Comment: This variant is classified as likely benign based on ACMG/AMP sequence variant interpretation guidelines (Richards et al. 2015 PMID: 25741868, with internal and published modifications).

NM_001375524.1(TRRAP):c.6216C>T (p.Thr2072=)

Gene: TRRAP (transformation/transcription domain associated protein; plus strand). Cytogenetic location: 7q22.1.
Variant type: single nucleotide variant.
Coding change: c.6216C>T on transcript NM_001375524.1 (MANE Select); coding-DNA position 6216, C replaced by T.
Protein change: p.Thr2072=; no amino-acid change (threonine 2072 retained).
Molecular consequence: synonymous variant.
Genome position (GRCh38, 1-based): chr7:98,956,518, C>T. VCF-style: chr7-98956518-C-T. GRCh37 (hg19) VCF-style: chr7-98554141-C-T.
Other names: c.6141C>T (NM_003496.3); c.6195C>T, p.Thr2065= (NM_001244580.2); c.6141C>T, p.Thr2047= (NM_003496.4).
Identifiers: ClinVar variation 2180884 (VCV002180884.7), dbSNP rs368104113, ClinGen allele CA4360776.